The following is an entry in ClinVar:

NM_001298.3(CNGA3):c.314C>T (p.Ala105Val)

Gene: CNGA3 (cyclic nucleotide gated channel subunit alpha 3; plus strand). Cytogenetic location: 2q11.2.
Variant type: single nucleotide variant.
Coding change: c.314C>T on transcript NM_001298.3 (MANE Select); coding-DNA position 314, C replaced by T.
Protein change: p.Ala105Val; replaces alanine 105 with valine.
Molecular consequence: missense variant.
Genome position (GRCh38, 1-based): chr2:98,380,273, C>T. VCF-style: chr2-98380273-C-T. GRCh37 (hg19) VCF-style: chr2-98996736-C-T.
Other names: c.314C>T, p.Ala105Val (NM_001079878.2); short protein forms A105V.
Identifiers: ClinVar variation 1911368 (VCV001911368.3), dbSNP rs764229193, ClinGen allele CA1793694.

ClinVar aggregate classification (germline): Uncertain significance (1 of 4 stars; one submission).

Allele frequency attached by ClinVar (database versions not stated): ExAC 0.00001; gnomAD 0.00001; gnomAD exomes 0.00001; TOPMed 0.00002.
gnomAD v4.1: 18 of 1,614,024 alleles (0.0011%); highest among the groups gnomAD compares: Admixed American, 0.0017%; no homozygotes.

Submission:

Labcorp Genetics (formerly Invitae), Labcorp
Classification: Uncertain significance. Last evaluated: 2025-10-13. Review status: criteria provided, single submitter. Criteria: Invitae Variant Classification Sherloc (09022015). Collection method: clinical testing. Allele origin: germline.
Comment: This sequence change replaces alanine, which is neutral and non-polar, with valine, which is neutral and non-polar, at codon 105 of the CNGA3 protein (p.Ala105Val). This variant is present in population databases (rs764229193, gnomAD 0.003%). This variant has not been reported in the literature in individuals affected with CNGA3-related conditions. ClinVar contains an entry for this variant (Variation ID: 1911368). Invitae Evidence Modeling of protein sequence and biophysical properties (such as structural, functional, and spatial information, amino acid conservation, physicochemical variation, residue mobility, and thermodynamic stability) indicates that this missense variant is not expected to disrupt CNGA3 protein function with a negative predictive value of 95%. In summary, the available evidence is currently insufficient to determine the role of this variant in disease. Therefore, it has been classified as a Variant of Uncertain Significance.